The following is an entry in ClinVar:

ClinVar aggregate classification (germline): Benign. Review status: criteria provided, multiple submitters, no conflicts (2 of 4 stars). 3 submissions from 3 submitters: Benign (3). Last evaluated 2024-11-28.

Allele frequency attached by ClinVar (database versions not stated): TOPMed 0.30587; gnomAD 0.30947 and 0.31903; 1000 Genomes Project 30x 0.34822; 1000 Genomes Project 0.35603; gnomAD exomes 0.40670.

Submissions (3):

Blueprint Genetics
Classification: Benign. Last evaluated: 2024-11-28. Review status: criteria provided, single submitter. Criteria: ACMG Guidelines, 2015. Collection method: clinical testing. Allele origin: germline.

GeneDx
Classification: Benign. Last evaluated: 2017-06-09. Review status: criteria provided, single submitter. Criteria: GeneDx Variant Classification (06012015). Collection method: clinical testing. Allele origin: germline. Affected: yes.
Comment: This variant is considered likely benign or benign based on one or more of the following criteria: it is a conservative change, it occurs at a poorly conserved position in the protein, it is predicted to be benign by multiple in silico algorithms, and/or has population frequency not consistent with disease.

Breakthrough Genomics
Classification: Benign. Review status: criteria provided, single submitter. Criteria: ACMG Guidelines, 2015. Collection method: not provided. Allele origin: germline. Inheritance: Autosomal recessive inheritance. Affected: yes.

NM_002615.7(SERPINF1):c.-9+17G>A

Gene: SERPINF1 (serpin family F member 1; plus strand). Cytogenetic location: 17p13.3.
Variant type: single nucleotide variant.
Coding change: c.-9+17G>A on transcript NM_002615.7 (MANE Select); 17 bases into the intron after 9 bases upstream of the start codon, G replaced by A.
Molecular consequence: intron variant.
Genome position (GRCh38, 1-based): chr17:1,762,130, G>A. VCF-style: chr17-1762130-G-A. GRCh37 (hg19) VCF-style: chr17-1665424-G-A.
Other names: c.-478+17G>A (NM_001329904.2).
Identifiers: ClinVar variation 516196 (VCV000516196.3), dbSNP rs58697961, ClinGen allele CA14392894.
Genomic context (GRCh38, chr17:1,762,130, plus strand): 5'-CTTAGAGGGACTAGGCTGGGTGTGGAGCTGCAGCGTATCCACAGGTAAAGCAGCTCCCTG[G>A]CTGCTCTGATGCCAGGGACGGCGGGAGAGGCTCCCCTGGGCTGGGGGGACAGGGGAGAGG-3'